The following is an entry in ClinVar:

ClinVar aggregate classification (germline): Uncertain significance. Review status: criteria provided, multiple submitters, no conflicts (2 of 4 stars). 3 submissions from 3 submitters: Uncertain significance (3). Last evaluated 2021-08-23.

Conditions:
Emery-Dreifuss muscular dystrophy 4, autosomal dominant (EDMD4). Also called: EMERY-DREIFUSS MUSCULAR DYSTROPHY 4 WITH VARIABLE FEATURES. Identifiers: Orphanet 261, MedGen C2751807, MONDO:0013071, OMIM 612998.
Autosomal recessive ataxia, Beauce type. Also called: Spinocerebellar ataxia, autosomal recessive 8; ATAXIA, RECESSIVE, OF BEAUCE; SYNE1-Related Autosomal Recessive Cerebellar Ataxia; SYNE1 Deficiency. Identifiers: Orphanet 88644, MedGen C1853116, MONDO:0012549, OMIM 610743.

Submissions (3):

Labcorp Genetics (formerly Invitae), Labcorp
Classification: Uncertain significance for Emery-Dreifuss muscular dystrophy 4, autosomal dominant; Autosomal recessive ataxia, Beauce type. Last evaluated: 2021-08-23. Review status: criteria provided, single submitter. Criteria: Invitae Variant Classification Sherloc (09022015). Collection method: clinical testing. Allele origin: germline.
Comment: In summary, the available evidence is currently insufficient to determine the role of this variant in disease. Therefore, it has been classified as a Variant of Uncertain Significance. Algorithms developed to predict the effect of missense changes on protein structure and function (SIFT, PolyPhen-2, Align-GVGD) all suggest that this variant is likely to be disruptive. ClinVar contains an entry for this variant (Variation ID: 448581). This variant has not been reported in the literature in individuals affected with SYNE1-related conditions. This variant is not present in population databases (ExAC no frequency). This sequence change replaces valine with isoleucine at codon 7456 of the SYNE1 protein (p.Val7456Ile). The valine residue is highly conserved and there is a small physicochemical difference between valine and isoleucine.

Eurofins Ntd Llc (ga)
Classification: Uncertain significance. Last evaluated: 2018-04-27. Review status: criteria provided, single submitter. Criteria: EGL ClinVar v180209 classification definitions. Collection method: clinical testing. Allele origin: germline. Observed: 2 variant alleles, 2 heterozygotes.

Athena Diagnostics
Classification: Uncertain significance. Last evaluated: 2017-11-14. Review status: criteria provided, single submitter. Criteria: Athena Diagnostics Criteria. Collection method: clinical testing. Allele origin: germline.

NM_182961.4(SYNE1):c.22579G>A (p.Val7527Ile)

Gene: SYNE1 (spectrin repeat containing nuclear envelope protein 1; minus strand). Cytogenetic location: 6q25.2.
Variant type: single nucleotide variant.
Coding change: c.22579G>A on transcript NM_182961.4 (MANE Select); coding-DNA position 22579, G replaced by A.
Protein change: p.Val7527Ile; replaces valine 7527 with isoleucine.
Molecular consequence: missense variant.
Genome position (GRCh38, 1-based): chr6:152,211,504, C>T on the plus strand (G>A on the coding strand, the complement: SYNE1 is on the minus strand). VCF-style: chr6-152211504-C-T. GRCh37 (hg19) VCF-style: chr6-152532639-C-T.
Other names: c.22366G>A, p.Val7456Ile (NM_033071.5); short protein forms V7456I, V7527I.
Identifiers: ClinVar variation 448581 (VCV000448581.9), dbSNP rs1554568810, ClinGen allele CA366098056.